The following is an entry in ClinVar:

ClinVar aggregate classification (germline): Uncertain significance (1 of 4 stars; one submission).

Conditions:
Tuberous sclerosis 2 (TSC2). Identifiers: Orphanet 805, MedGen C1860707, MONDO:0013199, OMIM 613254.

Submission:

Labcorp Genetics (formerly Invitae), Labcorp
Classification: Uncertain significance for Tuberous sclerosis 2. Last evaluated: 2021-12-08. Review status: criteria provided, single submitter. Criteria: Invitae Variant Classification Sherloc (09022015). Collection method: clinical testing. Allele origin: germline.
Comment: This sequence change replaces glutamine, which is neutral and polar, with arginine, which is basic and polar, at codon 1280 of the TSC2 protein (p.Gln1280Arg). This variant is not present in population databases (gnomAD no frequency). This variant has not been reported in the literature in individuals affected with TSC2-related conditions. Advanced modeling of protein sequence and biophysical properties (such as structural, functional, and spatial information, amino acid conservation, physicochemical variation, residue mobility, and thermodynamic stability) performed at Invitae indicates that this missense variant is not expected to disrupt TSC2 protein function. In summary, the available evidence is currently insufficient to determine the role of this variant in disease. Therefore, it has been classified as a Variant of Uncertain Significance.

NM_000548.5(TSC2):c.3839A>G (p.Gln1280Arg)

Gene: TSC2 (TSC complex subunit 2; plus strand). Cytogenetic location: 16p13.3.
Variant type: single nucleotide variant.
Coding change: c.3839A>G on transcript NM_000548.5 (MANE Select); coding-DNA position 3839, A replaced by G.
Protein change: p.Gln1280Arg; replaces glutamine 1280 with arginine.
Molecular consequence: missense variant. On other transcripts: intron variant (6).
Genome position (GRCh38, 1-based): chr16:2,082,460, A>G. VCF-style: chr16-2082460-A-G. GRCh37 (hg19) VCF-style: chr16-2132461-A-G.
Other names: c.3107A>G, p.Gln1036Arg (NM_001318831.2); c.3707A>G, p.Gln1236Arg (NM_001370404.1, NM_001406665.1); c.3710A>G, p.Gln1237Arg (NM_001370405.1, NM_021055.3); c.3836A>G, p.Gln1279Arg (NM_001406663.1); c.3239A>G, p.Gln1080Arg (NM_001406680.1); c.2366A>G, p.Gln789Arg (NM_001406690.1); c.2363A>G, p.Gln788Arg (NM_001406691.1); c.3814+662A>G (NM_001114382.3); and 5 more; short protein forms Q1237R, Q788R, Q1036R, Q1279R, Q1280R, Q789R, Q1080R, Q1236R.
Identifiers: ClinVar variation 2037535 (VCV002037535.4), dbSNP rs1596404506, ClinGen allele CA394294910.